The following is an entry in ClinVar:

ClinVar aggregate classification (germline): Uncertain significance. Review status: criteria provided, multiple submitters, no conflicts (2 of 4 stars). 2 submissions from 2 submitters: Uncertain significance (2). Last evaluated 2025-07-10.

Conditions:
Inborn genetic diseases. Identifiers: MedGen C0950123, MeSH D030342.

Allele frequency attached by ClinVar (database versions not stated): gnomAD 0.00003; TOPMed 0.00005; gnomAD exomes 0.00006; ExAC 0.00006; ESP Exome Variant Server 0.00015.
gnomAD v4.1: 85 of 1,612,246 alleles (0.0053%); highest among the groups gnomAD compares: Middle Eastern, 0.016%; no homozygotes.

Submissions (2):

Labcorp Genetics (formerly Invitae), Labcorp
Classification: Uncertain significance. Last evaluated: 2025-07-10. Review status: criteria provided, single submitter. Criteria: Invitae Variant Classification Sherloc (09022015). Collection method: clinical testing. Allele origin: germline.
Comment: This sequence change replaces arginine, which is basic and polar, with cysteine, which is neutral and slightly polar, at codon 557 of the ANTXR1 protein (p.Arg557Cys). This variant is present in population databases (rs370028187, gnomAD 0.008%). This variant has not been reported in the literature in individuals affected with ANTXR1-related conditions. ClinVar contains an entry for this variant (Variation ID: 3127240). Experimental studies and prediction algorithms are not available or were not evaluated, and the functional significance of this variant is currently unknown. In summary, the available evidence is currently insufficient to determine the role of this variant in disease. Therefore, it has been classified as a Variant of Uncertain Significance.

Ambry Genetics
Classification: Uncertain significance for Inborn genetic diseases. Last evaluated: 2023-10-14. Review status: criteria provided, single submitter. Criteria: Ambry Variant Classification Scheme 2023. Collection method: clinical testing. Allele origin: germline.

NM_032208.3(ANTXR1):c.1669C>T (p.Arg557Cys)

Gene: ANTXR1 (ANTXR cell adhesion molecule 1; plus strand). Cytogenetic location: 2p13.3.
Variant type: single nucleotide variant.
Coding change: c.1669C>T on transcript NM_032208.3 (MANE Select); coding-DNA position 1669, C replaced by T.
Protein change: p.Arg557Cys; replaces arginine 557 with cysteine.
Molecular consequence: missense variant.
Genome position (GRCh38, 1-based): chr2:69,245,459, C>T. VCF-style: chr2-69245459-C-T. GRCh37 (hg19) VCF-style: chr2-69472591-C-T.
Other names: short protein forms R557C.
Identifiers: ClinVar variation 3127240 (VCV003127240.3), dbSNP rs370028187, ClinGen allele CA1693467.